The following is an entry in ClinVar:

NM_000417.3(IL2RA):c.301C>G (p.Gln101Glu)

Gene: IL2RA (interleukin 2 receptor subunit alpha; minus strand). Cytogenetic location: 10p15.1.
Variant type: single nucleotide variant.
Coding change: c.301C>G on transcript NM_000417.3 (MANE Select); coding-DNA position 301, C replaced by G.
Protein change: p.Gln101Glu; replaces glutamine 101 with glutamic acid.
Molecular consequence: missense variant.
Genome position (GRCh38, 1-based): chr10:6,024,310, G>C on the plus strand (C>G on the coding strand, the complement: IL2RA is on the minus strand). VCF-style: chr10-6024310-G-C. GRCh37 (hg19) VCF-style: chr10-6066273-G-C.
Other names: c.301C>G, p.Gln101Glu (NM_001308242.2, NM_001308243.2); short protein forms Q101E.
Identifiers: ClinVar variation 1466083 (VCV001466083.8), dbSNP rs886041037, ClinGen allele CA375928316.

ClinVar aggregate classification (germline): Uncertain significance (1 of 4 stars; one submission).

Conditions:
Immunodeficiency due to CD25 deficiency. Also called: CD25 DEFICIENCY; IMMUNODEFICIENCY 41 WITH LYMPHOPROLIFERATION AND AUTOIMMUNITY; IL2RA DEFICIENCY. Identifiers: Orphanet 169100, MedGen C1853392, MONDO:0011664, OMIM 606367.

Submission:

Labcorp Genetics (formerly Invitae), Labcorp
Classification: Uncertain significance for Immunodeficiency due to CD25 deficiency. Last evaluated: 2021-05-10. Review status: criteria provided, single submitter. Criteria: Invitae Variant Classification Sherloc (09022015). Collection method: clinical testing. Allele origin: germline.
Comment: Algorithms developed to predict the effect of missense changes on protein structure and function output the following: SIFT: "Deleterious"; PolyPhen-2: "Benign"; Align-GVGD: "Class C0". The glutamic acid amino acid residue is found in multiple mammalian species, suggesting that this missense change does not adversely affect protein function. These predictions have not been confirmed by published functional studies and their clinical significance is uncertain. In summary, the available evidence is currently insufficient to determine the role of this variant in disease. Therefore, it has been classified as a Variant of Uncertain Significance. This variant has not been reported in the literature in individuals with IL2RA-related conditions. This sequence change replaces glutamine with glutamic acid at codon 101 of the IL2RA protein (p.Gln101Glu). The glutamine residue is highly conserved and there is a small physicochemical difference between glutamine and glutamic acid. This variant is not present in population databases (ExAC no frequency).